The following is an entry in ClinVar:

ClinVar aggregate classification (germline): Uncertain significance. Review status: criteria provided, multiple submitters, no conflicts (2 of 4 stars). 2 submissions from 2 submitters: Uncertain significance (2). Last evaluated 2024-09-06.

Conditions:
Hereditary intrinsic factor deficiency (IFD). Also called: PERNICIOUS ANEMIA, CONGENITAL, DUE TO DEFECT OF INTRINSIC FACTOR; Congenital intrinsic factor deficiency. Identifiers: Orphanet 332, MedGen C2062370, MONDO:0009852, OMIM 261000.

Allele frequency attached by ClinVar (database versions not stated): ESP Exome Variant Server 0.00008; ExAC 0.00012; gnomAD 0.00023; TOPMed 0.00031.
gnomAD v4.1: 460 of 1,609,238 alleles (0.029%); highest among the groups gnomAD compares: Non-Finnish European, 0.035%; 1 homozygote.

Submissions (2):

Labcorp Genetics (formerly Invitae), Labcorp
Classification: Uncertain significance for Hereditary intrinsic factor deficiency. Last evaluated: 2024-09-06. Review status: criteria provided, single submitter. Criteria: Invitae Variant Classification Sherloc (09022015). Collection method: clinical testing. Allele origin: germline.
Comment: This sequence change replaces alanine, which is neutral and non-polar, with threonine, which is neutral and polar, at codon 377 of the GIF protein (p.Ala377Thr). This variant is present in population databases (rs139918773, gnomAD 0.03%). This variant has not been reported in the literature in individuals affected with GIF-related conditions. ClinVar contains an entry for this variant (Variation ID: 2085700). Invitae Evidence Modeling of protein sequence and biophysical properties (such as structural, functional, and spatial information, amino acid conservation, physicochemical variation, residue mobility, and thermodynamic stability) indicates that this missense variant is not expected to disrupt GIF protein function with a negative predictive value of 80%. In summary, the available evidence is currently insufficient to determine the role of this variant in disease. Therefore, it has been classified as a Variant of Uncertain Significance.

Ambry Genetics
Classification: Uncertain significance. Last evaluated: 2024-01-03. Review status: criteria provided, single submitter. Criteria: Ambry Variant Classification Scheme 2023. Collection method: clinical testing. Allele origin: germline.

NM_005142.3(CBLIF):c.1129G>A (p.Ala377Thr)

Gene: CBLIF (cobalamin binding intrinsic factor; minus strand). Cytogenetic location: 11q12.1.
Variant type: single nucleotide variant.
Coding change: c.1129G>A on transcript NM_005142.3 (MANE Select); coding-DNA position 1129, G replaced by A.
Protein change: p.Ala377Thr; replaces alanine 377 with threonine.
Molecular consequence: missense variant.
Genome position (GRCh38, 1-based): chr11:59,831,741, C>T on the plus strand (G>A on the coding strand, the complement: CBLIF is on the minus strand). VCF-style: chr11-59831741-C-T. GRCh37 (hg19) VCF-style: chr11-59599214-C-T.
Other names: c.1129G>A (NM_005142.2); short protein forms A377T.
Identifiers: ClinVar variation 2085700 (VCV002085700.3), dbSNP rs139918773, ClinGen allele CA6021377.